The following is an entry in ClinVar:

ClinVar aggregate classification (germline): Likely pathogenic (1 of 4 stars; one submission).

Conditions:
Cataract 14 multiple types. Also called: CATARACT 14, ZONULAR PULVERULENT; CATARACT 14, NUCLEAR PULVERULENT; CATARACT 14, NUCLEAR PULVERULENT AND POSTERIOR POLAR; CATARACT 14, NUCLEAR CORALLIFORM; CATARACT 14, EMBRYONAL NUCLEAR; CATARACT 14, COPPOCK-LIKE. Identifiers: Orphanet 91492, MedGen C1866078, MONDO:0011162, OMIM 601885.

Submission:

Dept. Genetics and Cancer, Menzies Institute for Medical Research, University of Tasmania
Classification: Likely pathogenic for Cataract 14 multiple types. Last evaluated: 2023-01-21. Review status: criteria provided, single submitter. Criteria: ACMG Guidelines, 2015. Collection method: curation. Allele origin: germline. Affected: yes.
Comment: Variant identified and curated during a GJA3 specific review of the literature in relation to pediatric or congenital cataract. ACMG-AMP criteria applied: PVS1(moderate), PM1, PM2(supporting), PP3. Original variant report: PMID:24319337. The cataract phenotype reported for this variant is: Anterior polar. Gene review and curation guidelines are outlined in: DOI 10.1080/17469899.2023.2160320

Literature cited by the submitters: PubMed 24319337.

NM_021954.4(GJA3):c.1A>G (p.Met1Val)

Gene: GJA3 (gap junction protein alpha 3; minus strand). Cytogenetic location: 13q12.11.
Variant type: single nucleotide variant.
Coding change: c.1A>G on transcript NM_021954.4 (MANE Select); coding-DNA position 1, A replaced by G.
Protein change: p.Met1Val; changes the start codon (methionine 1).
Molecular consequence: missense variant, initiator codon variant.
Genome position (GRCh38, 1-based): chr13:20,143,288, T>C on the plus strand (A>G on the coding strand, the complement: GJA3 is on the minus strand). VCF-style: chr13-20143288-T-C. GRCh37 (hg19) VCF-style: chr13-20717427-T-C.
Other names: short protein forms M1V.
Identifiers: ClinVar variation 3253655 (VCV003253655.1), dbSNP rs2500174794.